The following is an entry in ClinVar:

NM_201384.3(PLEC):c.5131G>A (p.Ala1711Thr)

Gene: PLEC (plectin; minus strand). Cytogenetic location: 8q24.3.
Variant type: single nucleotide variant.
Coding change: c.5131G>A on transcript NM_201384.3 (MANE Select); coding-DNA position 5131, G replaced by A.
Protein change: p.Ala1711Thr; replaces alanine 1711 with threonine.
Molecular consequence: missense variant.
Genome position (GRCh38, 1-based): chr8:143,924,798, C>T on the plus strand (G>A on the coding strand, the complement: PLEC is on the minus strand). VCF-style: chr8-143924798-C-T. GRCh37 (hg19) VCF-style: chr8-144998966-C-T.
Other names: c.5212G>A, p.Ala1738Thr (NM_000445.5); c.5089G>A, p.Ala1697Thr (NM_201378.4); c.5065G>A, p.Ala1689Thr (NM_201379.3); c.5542G>A, p.Ala1848Thr (NM_201380.4); c.5035G>A, p.Ala1679Thr (NM_201381.3); c.5131G>A, p.Ala1711Thr (NM_201382.4); c.5143G>A, p.Ala1715Thr (NM_201383.3); short protein forms A1679T, A1689T, A1697T, A1711T, A1715T, A1738T, A1848T.
Identifiers: ClinVar variation 994682 (VCV000994682.9), dbSNP rs781937167, ClinGen allele CA4926422.
Genomic context (GRCh38, chr8:143,924,798, plus strand): 5'-GCTGCCGCTGCTGCTCCCCCTGCTCCGTCTCGGCCCGCAGCCGGATCAACTCCTGCTCCG[C>T]GGCCAGGCGCTGCTGCGCGGTGCCTTCCGCCAGCTGCCGCTGCTTCTCCAGCTCTTGTTC-3'
Protein context (NP_958786.1, residues 1701-1721): AEGTAQQRLA[Ala1711Thr]EQELIRLRAE

ClinVar aggregate classification (germline): Uncertain significance. Review status: criteria provided, multiple submitters, no conflicts (2 of 4 stars). 3 submissions from 3 submitters: Uncertain significance (3). Last evaluated 2025-08-14.

Conditions:
Inborn genetic diseases. Identifiers: MedGen C0950123, MeSH D030342.
Autosomal recessive limb-girdle muscular dystrophy type 2Q (LGMDR17). Also called: MUSCULAR DYSTROPHY, LIMB-GIRDLE, AUTOSOMAL RECESSIVE 17. Identifiers: Orphanet 254361, MedGen C3150989, MONDO:0013390, OMIM 613723.
Epidermolysis bullosa simplex with nail dystrophy (EBS5D). Identifiers: MedGen C4225309, MONDO:0014661, OMIM 616487.
Epidermolysis bullosa simplex 5C, with pyloric atresia (EBS5C). Also called: PLEC-Related Epidermolysis Bullosa with Pyloric Atresia; Epidermolysis bullosa simplex with pyloric atresia; PLEC1-Related Epidermolysis Bullosa with Pyloric Atresia. Identifiers: Orphanet 158684, MedGen C2677349, MONDO:0012807, OMIM 612138.
Epidermolysis bullosa simplex, Ogna type (EBS5A). Also called: Pidermolysis bullosa simplex 5A, Ogna type; EPIDERMOLYSIS BULLOSA SIMPLEX 5A, OGNA TYPE. Identifiers: Orphanet 79401, MedGen C0432317, MONDO:0007555, OMIM 131950.
Epidermolysis bullosa simplex 5B, with muscular dystrophy (EBS5B). Also called: Epidermolysis bullosa simplex with muscular dystrophy; EPIDERMOLYSIS BULLOSA SIMPLEX AND LIMB-GIRDLE MUSCULAR DYSTROPHY. Identifiers: Orphanet 257, MedGen C2931072, MONDO:0009181, OMIM 226670.

Allele frequency attached by ClinVar (database versions not stated): TOPMed below 0.00001; gnomAD 0.00001; gnomAD exomes 0.00002 and 0.00008; ExAC 0.00027.
gnomAD v4.1: 32 of 1,537,306 alleles (0.0021%); highest among the groups gnomAD compares: South Asian, 0.017%; no homozygotes.

Submissions (3):

Ambry Genetics
Classification: Uncertain significance for Inborn genetic diseases. Last evaluated: 2025-08-14. Review status: criteria provided, single submitter. Criteria: Ambry Variant Classification Scheme 2023. Collection method: clinical testing. Allele origin: germline.

Labcorp Genetics (formerly Invitae), Labcorp
Classification: Uncertain significance for Autosomal recessive limb-girdle muscular dystrophy type 2Q; Epidermolysis bullosa simplex, Ogna type; Epidermolysis bullosa simplex with nail dystrophy; Epidermolysis bullosa simplex 5C, with pyloric atresia; Epidermolysis bullosa simplex 5B, with muscular dystrophy. Last evaluated: 2025-07-22. Review status: criteria provided, single submitter. Criteria: Invitae Variant Classification Sherloc (09022015). Collection method: clinical testing. Allele origin: germline.
Comment: This sequence change replaces alanine, which is neutral and non-polar, with threonine, which is neutral and polar, at codon 1738 of the PLEC protein (p.Ala1738Thr). This variant is present in population databases (rs781937167, gnomAD 0.02%). This variant has not been reported in the literature in individuals affected with PLEC-related conditions. ClinVar contains an entry for this variant (Variation ID: 994682). Experimental studies and prediction algorithms are not available or were not evaluated, and the functional significance of this variant is currently unknown. In summary, the available evidence is currently insufficient to determine the role of this variant in disease. Therefore, it has been classified as a Variant of Uncertain Significance.

Athena Diagnostics
Classification: Uncertain significance. Last evaluated: 2019-10-25. Review status: criteria provided, single submitter. Criteria: Athena Diagnostics Criteria. Collection method: clinical testing. Allele origin: unknown.